The following is an entry in ClinVar:

ClinVar aggregate classification (germline): Uncertain significance. Review status: criteria provided, multiple submitters, no conflicts (2 of 4 stars). 2 submissions from 2 submitters: Uncertain significance (2). Last evaluated 2023-11-14.

Allele frequency attached by ClinVar (database versions not stated): gnomAD 0.00001; gnomAD exomes 0.00002; TOPMed 0.00002.

Submissions (2):

Labcorp Genetics (formerly Invitae), Labcorp
Classification: Uncertain significance. Last evaluated: 2023-11-14. Review status: criteria provided, single submitter. Criteria: Invitae Variant Classification Sherloc (09022015). Collection method: clinical testing. Allele origin: germline.
Comment: This sequence change falls in intron 5 of the REEP6 gene. It does not directly change the encoded amino acid sequence of the REEP6 protein. It affects a nucleotide within the consensus splice site. The frequency data for this variant in the population databases is considered unreliable, as metrics indicate poor data quality at this position in the gnomAD database. This variant has not been reported in the literature in individuals affected with REEP6-related conditions. ClinVar contains an entry for this variant (Variation ID: 1384861). Variants that disrupt the consensus splice site are a relatively common cause of aberrant splicing (PMID: 17576681, 9536098). Algorithms developed to predict the effect of sequence changes on RNA splicing suggest that this variant is not likely to affect RNA splicing. In summary, the available evidence is currently insufficient to determine the role of this variant in disease. Therefore, it has been classified as a Variant of Uncertain Significance.

Blueprint Genetics
Classification: Uncertain significance. Last evaluated: 2022-09-08. Review status: criteria provided, single submitter. Criteria: ACMG Guidelines, 2015. Collection method: clinical testing. Allele origin: germline.

Literature cited by the submitters: PubMed 17576681 (cited by Labcorp Genetics (formerly Invitae), Labcorp); PubMed 9536098 (cited by Labcorp Genetics (formerly Invitae), Labcorp).

NM_138393.4(REEP6):c.517+222C>T

Gene: REEP6 (receptor accessory protein 6; plus strand). Cytogenetic location: 19p13.3.
Variant type: single nucleotide variant.
Coding change: c.517+222C>T on transcript NM_138393.4 (MANE Select); 222 bases into the intron after coding-DNA position 517, C replaced by T.
Molecular consequence: intron variant.
Genome position (GRCh38, 1-based): chr19:1,496,675, C>T. VCF-style: chr19-1496675-C-T. GRCh37 (hg19) VCF-style: chr19-1496674-C-T.
Other names: c.598+4C>T (NM_001329556.3).
Identifiers: ClinVar variation 1384861 (VCV001384861.6), dbSNP rs765427133, ClinGen allele CA9047654.